The following is an entry in ClinVar:

ClinVar aggregate classification (germline): Pathogenic (1 of 4 stars; one submission).

Allele frequency attached by ClinVar (database versions not stated): gnomAD exomes 0.00001.
gnomAD v4.1: 14 of 1,603,482 alleles (0.00087%); highest among the groups gnomAD compares: African/African-American, 0.0041%; no homozygotes.

Submission:

Labcorp Genetics (formerly Invitae), Labcorp
Classification: Pathogenic. Last evaluated: 2022-06-10. Review status: criteria provided, single submitter. Criteria: Invitae Variant Classification Sherloc (09022015). Collection method: clinical testing. Allele origin: germline.
Comment: For these reasons, this variant has been classified as Pathogenic. This variant has not been reported in the literature in individuals affected with TRIOBP-related conditions. This variant is present in population databases (no rsID available, gnomAD 0.007%). This sequence change creates a premature translational stop signal (p.Arg654*) in the TRIOBP gene. It is expected to result in an absent or disrupted protein product. Loss-of-function variants in TRIOBP are known to be pathogenic (PMID: 16385457, 16385458, 20510926).

Literature cited by the submitters: PubMed 16385457; PubMed 16385458; PubMed 20510926.

NM_001039141.3(TRIOBP):c.1960C>T (p.Arg654Ter)

Gene: TRIOBP (TRIO and F-actin binding protein; plus strand). Cytogenetic location: 22q13.1.
Variant type: single nucleotide variant.
Coding change: c.1960C>T on transcript NM_001039141.3 (MANE Select); coding-DNA position 1960, C replaced by T.
Protein change: p.Arg654Ter; replaces arginine 654 with a stop codon.
Molecular consequence: nonsense.
Genome position (GRCh38, 1-based): chr22:37,724,516, C>T. VCF-style: chr22-37724516-C-T. GRCh37 (hg19) VCF-style: chr22-38120523-C-T.
Other names: short protein forms R654*.
Identifiers: ClinVar variation 2181131 (VCV002181131.4), dbSNP rs997951552, ClinGen allele CA324132868.